The following is an entry in ClinVar:

NM_001377299.1(NDUFS2):c.595C>A (p.Pro199Thr)

Gene: NDUFS2 (NADH:ubiquinone oxidoreductase core subunit S2; plus strand). Cytogenetic location: 1q23.3.
Variant type: single nucleotide variant.
Coding change: c.595C>A on transcript NM_001377299.1 (MANE Select); coding-DNA position 595, C replaced by A.
Protein change: p.Pro199Thr; replaces proline 199 with threonine.
Molecular consequence: missense variant. On other transcripts: non-coding transcript variant (1).
Genome position (GRCh38, 1-based): chr1:161,209,563, C>A. VCF-style: chr1-161209563-C-A. GRCh37 (hg19) VCF-style: chr1-161179353-C-A.
Other names: c.595C>A, p.Pro199Thr (NM_001166159.2, NM_001377298.1, NM_001377300.1 and 4 more transcripts); short protein forms P199T.
Identifiers: ClinVar variation 2099596 (VCV002099596.4), dbSNP rs753554884, ClinGen allele CA343379646.

ClinVar aggregate classification (germline): Uncertain significance (1 of 4 stars; one submission).

gnomAD v4.1: 4 of 1,613,098 alleles (0.00025%); highest among the groups gnomAD compares: Non-Finnish European, 0.00034%; no homozygotes.

Submission:

Labcorp Genetics (formerly Invitae), Labcorp
Classification: Uncertain significance. Last evaluated: 2024-02-24. Review status: criteria provided, single submitter. Criteria: Invitae Variant Classification Sherloc (09022015). Collection method: clinical testing. Allele origin: germline.
Comment: This sequence change replaces proline, which is neutral and non-polar, with threonine, which is neutral and polar, at codon 199 of the NDUFS2 protein (p.Pro199Thr). This variant is not present in population databases (gnomAD no frequency). This variant has not been reported in the literature in individuals affected with NDUFS2-related conditions. ClinVar contains an entry for this variant (Variation ID: 2099596). Advanced modeling of protein sequence and biophysical properties (such as structural, functional, and spatial information, amino acid conservation, physicochemical variation, residue mobility, and thermodynamic stability) has been performed at Invitae for this missense variant, however the output from this modeling did not meet the statistical confidence thresholds required to predict the impact of this variant on NDUFS2 protein function. In summary, the available evidence is currently insufficient to determine the role of this variant in disease. Therefore, it has been classified as a Variant of Uncertain Significance.